The following is an entry in ClinVar:

NM_031407.7(HUWE1):c.5933A>G (p.Gln1978Arg)

Gene: HUWE1 (HECT, UBA and WWE domain containing E3 ubiquitin protein ligase 1; minus strand). Cytogenetic location: Xp11.22.
Variant type: single nucleotide variant.
Coding change: c.5933A>G on transcript NM_031407.7 (MANE Select); coding-DNA position 5933, A replaced by G.
Protein change: p.Gln1978Arg; replaces glutamine 1978 with arginine.
Molecular consequence: missense variant.
Genome position (GRCh38, 1-based): chrX:53,575,740, T>C on the plus strand (A>G on the coding strand, the complement: HUWE1 is on the minus strand). VCF-style: chrX-53575740-T-C. GRCh37 (hg19) VCF-style: chrX-53602700-T-C.
Other names: short protein forms Q1978R.
Identifiers: ClinVar variation 3685561 (VCV003685561.2).
Genomic context (GRCh38, chrX:53,575,740, plus strand): 5'-CTCTGACGCGTAAGTGACCGGTACTGCTGGTATACATCATCACCCATGTCTTGCAGGAGC[T>C]GGCCAACCTCTTGGGTCATAACCCCAGGTTTAGGATCAGATTTATCTGCTAGGAAAACAG-3'
Protein context (NP_113584.3, residues 1968-1988): KPGVMTQEVG[Gln1978Arg]LLQDMGDDVY

ClinVar aggregate classification (germline): Uncertain significance (1 of 4 stars; one submission).

Submission:

Labcorp Genetics (formerly Invitae), Labcorp
Classification: Uncertain significance. Last evaluated: 2024-08-15. Review status: criteria provided, single submitter. Criteria: Invitae Variant Classification Sherloc (09022015). Collection method: clinical testing. Allele origin: germline.
Comment: This sequence change replaces glutamine, which is neutral and polar, with arginine, which is basic and polar, at codon 1978 of the HUWE1 protein (p.Gln1978Arg). This variant is not present in population databases (gnomAD no frequency). This variant has not been reported in the literature in individuals affected with HUWE1-related conditions. Invitae Evidence Modeling of protein sequence and biophysical properties (such as structural, functional, and spatial information, amino acid conservation, physicochemical variation, residue mobility, and thermodynamic stability) has been performed for this missense variant. However, the output from this modeling did not meet the statistical confidence thresholds required to predict the impact of this variant on HUWE1 protein function. In summary, the available evidence is currently insufficient to determine the role of this variant in disease. Therefore, it has been classified as a Variant of Uncertain Significance.